The following is an entry in ClinVar:

ClinVar aggregate classification (germline): Uncertain significance (1 of 4 stars; one submission).

Conditions:
Temtamy syndrome (TEMTYS). Also called: MENTAL RETARDATION WITH OR WITHOUT CRANIOFACIAL DYSMORPHISM, OCULAR COLOBOMA, OR ABNORMAL CORPUS CALLOSUM. Identifiers: Orphanet 1777, MedGen C1857512, MONDO:0009033, OMIM 218340.

Allele frequency attached by ClinVar (database versions not stated): gnomAD 0.00002 and 0.00003; TOPMed 0.00002; gnomAD exomes 0.00003; ExAC 0.00004; 1000 Genomes Project 0.00040; 1000 Genomes Project 30x 0.00047.
gnomAD v4.1: 57 of 1,613,814 alleles (0.0035%); highest among the groups gnomAD compares: East Asian, 0.018%; no homozygotes.

Submission:

Labcorp Genetics (formerly Invitae), Labcorp
Classification: Uncertain significance for Temtamy syndrome. Last evaluated: 2022-07-19. Review status: criteria provided, single submitter. Criteria: Invitae Variant Classification Sherloc (09022015). Collection method: clinical testing. Allele origin: germline.
Comment: This sequence change replaces alanine, which is neutral and non-polar, with valine, which is neutral and non-polar, at codon 104 of the C12orf57 protein (p.Ala104Val). This variant is present in population databases (rs782513111, gnomAD 0.02%). This variant has not been reported in the literature in individuals affected with C12orf57-related conditions. ClinVar contains an entry for this variant (Variation ID: 665587). Algorithms developed to predict the effect of missense changes on protein structure and function are either unavailable or do not agree on the potential impact of this missense change (SIFT: "Deleterious"; PolyPhen-2: "Benign"; Align-GVGD: "Class C0"). Algorithms developed to predict the effect of sequence changes on RNA splicing suggest that this variant may create or strengthen a splice site. In summary, the available evidence is currently insufficient to determine the role of this variant in disease. Therefore, it has been classified as a Variant of Uncertain Significance.

NM_138425.4(C12orf57):c.311C>T (p.Ala104Val)

Gene: C12orf57 (chromosome 12 open reading frame 57; plus strand). Cytogenetic location: 12p13.31.
Variant type: single nucleotide variant.
Coding change: c.311C>T on transcript NM_138425.4 (MANE Select); coding-DNA position 311, C replaced by T.
Protein change: p.Ala104Val; replaces alanine 104 with valine.
Molecular consequence: missense variant. On other transcripts: non-coding transcript variant (1).
Genome position (GRCh38, 1-based): chr12:6,945,852, C>T. VCF-style: chr12-6945852-C-T. GRCh37 (hg19) VCF-style: chr12-7055015-C-T.
Other names: c.311C>T, p.Ala104Val (NM_001301834.1); c.272C>T, p.Ala91Val (NM_001301836.2); c.224C>T, p.Ala75Val (NM_001301837.2); c.206C>T, p.Ala69Val (NM_001301838.2); short protein forms A75V, A69V, A104V, A91V.
Identifiers: ClinVar variation 665587 (VCV000665587.6), dbSNP rs782513111, ClinGen allele CA6421351.
Genomic context (GRCh38, chr12:6,945,852, plus strand): 5'-TGGTCAAGTCCTACGAAGCCCAGGATCCTGAGATCGCCAGCCTGTCAGGCAAGCTGAAGG[C>T]GCTGTTTCTGCCGCCCATGACCCTGCCACCCCATGGGCCTGCTGCTGGTGGCAGCGTGGC-3'
Protein context (NP_612434.1, residues 94-114): EIASLSGKLK[Ala104Val]LFLPPMTLPP